The following is an entry in ClinVar:

NM_001165963.4(SCN1A):c.501T>G (p.Phe167Leu)

Gene: SCN1A (sodium voltage-gated channel alpha subunit 1; minus strand). Cytogenetic location: 2q24.3.
Variant type: single nucleotide variant.
Coding change: c.501T>G on transcript NM_001165963.4 (MANE Select); coding-DNA position 501, T replaced by G.
Protein change: p.Phe167Leu; replaces phenylalanine 167 with leucine.
Molecular consequence: missense variant. On other transcripts: 5 prime UTR variant (1), non-coding transcript variant (1).
Genome position (GRCh38, 1-based): chr2:166,054,739, A>C on the plus strand (T>G on the coding strand, the complement: SCN1A is on the minus strand). VCF-style: chr2-166054739-A-C. GRCh37 (hg19) VCF-style: chr2-166911249-A-C.
Other names: c.501T>G, p.Phe167Leu (NM_001165964.3, NM_001202435.3, NM_001353948.2 and 10 more transcripts); c.-1925T>G (NM_001353961.2); short protein forms F167L.
Identifiers: ClinVar variation 4800300 (VCV004800300.1).

ClinVar aggregate classification (germline): Uncertain significance (1 of 4 stars; one submission).

Conditions:
Early-infantile DEE. Also called: Early infantile epileptic encephalopathy with suppression bursts; Early infantile epileptic encephalopathy; Ohtahara syndrome. Identifiers: Orphanet 1934, MedGen C0393706, MONDO:0800491.

Submission:

Labcorp Genetics (formerly Invitae), Labcorp
Classification: Uncertain significance for Early-infantile DEE. Last evaluated: 2025-02-12. Review status: criteria provided, single submitter. Criteria: Invitae Variant Classification Sherloc (09022015). Collection method: clinical testing. Allele origin: germline.
Comment: This sequence change replaces phenylalanine, which is neutral and non-polar, with leucine, which is neutral and non-polar, at codon 167 of the SCN1A protein (p.Phe167Leu). This variant is not present in population databases (gnomAD no frequency). This variant has not been reported in the literature in individuals affected with SCN1A-related conditions. Invitae Evidence Modeling of protein sequence and biophysical properties (such as structural, functional, and spatial information, amino acid conservation, physicochemical variation, residue mobility, and thermodynamic stability) indicates that this missense variant is expected to disrupt SCN1A protein function with a positive predictive value of 95%. In summary, the available evidence is currently insufficient to determine the role of this variant in disease. Therefore, it has been classified as a Variant of Uncertain Significance.